The following is an entry in ClinVar:

NM_001350162.2(TEX15):c.4153G>T (p.Val1385Phe)

Gene: TEX15 (testis expressed 15, meiosis and synapsis associated; minus strand). Cytogenetic location: 8p12.
Variant type: single nucleotide variant.
Coding change: c.4153G>T on transcript NM_001350162.2 (MANE Select); coding-DNA position 4153, G replaced by T.
Protein change: p.Val1385Phe; replaces valine 1385 with phenylalanine.
Molecular consequence: missense variant.
Genome position (GRCh38, 1-based): chr8:30,846,014, C>A on the plus strand (G>T on the coding strand, the complement: TEX15 is on the minus strand). VCF-style: chr8-30846014-C-A. GRCh37 (hg19) VCF-style: chr8-30703530-C-A.
Other names: short protein forms V1385F.
Identifiers: ClinVar variation 3771307 (VCV003771307.13).

ClinVar aggregate classification (germline): Uncertain significance (1 of 4 stars; one submission).

gnomAD v4.1: 7 of 1,613,006 alleles (0.00043%); highest among the groups gnomAD compares: South Asian, 0.0044%; no homozygotes.

Submission:

CeGaT Center for Human Genetics Tuebingen
Classification: Uncertain significance. Last evaluated: 2025-01-01. Review status: criteria provided, single submitter. Criteria: CeGaT Center For Human Genetics Tuebingen Variant Classification Criteria Version 2. Collection method: clinical testing. Allele origin: germline. Affected: yes. Observed: 1 variant allele.
Comment: TEX15: PM2, BP4